The following is an entry in ClinVar:

NM_000264.5(PTCH1):c.4060T>C (p.Ser1354Pro)

Gene: PTCH1 (patched 1; minus strand). Cytogenetic location: 9q22.32.
Variant type: single nucleotide variant.
Coding change: c.4060T>C on transcript NM_000264.5 (MANE Select); coding-DNA position 4060, T replaced by C.
Protein change: p.Ser1354Pro; replaces serine 1354 with proline.
Molecular consequence: missense variant. On other transcripts: non-coding transcript variant (1).
Genome position (GRCh38, 1-based): chr9:95,447,196, A>G on the plus strand (T>C on the coding strand, the complement: PTCH1 is on the minus strand). VCF-style: chr9-95447196-A-G. GRCh37 (hg19) VCF-style: chr9-98209478-A-G.
Other names: c.3862T>C, p.Ser1288Pro (NM_001083602.3); c.4057T>C, p.Ser1353Pro (NM_001083603.3); c.3607T>C, p.Ser1203Pro (NM_001083604.3, NM_001083605.3, NM_001083606.3 and 1 more transcripts); c.3904T>C, p.Ser1302Pro (NM_001354918.2); short protein forms S1288P, S1302P, S1203P, S1353P, S1354P.
Identifiers: ClinVar variation 1737476 (VCV001737476.7), dbSNP rs2136577763, ClinGen allele CA374110397.
Genomic context (GRCh38, chr9:95,447,196, plus strand): 5'-AAGCCGTCACAGTGGTGATGGGCTGGCAGTAGCCGGGCACGGAGCTGCCCATGGCAGTGG[A>G]CGCTGGGTTCCGAGGGTTGTGAGAACGGGCCCCGCGAGGGCCCCAGCGGGCCCTATTGCT-3'
Protein context (NP_000255.2, residues 1344-1364): ARSHNPRNPA[Ser1354Pro]TAMGSSVPGY

ClinVar aggregate classification (germline): Conflicting classifications of pathogenicity. Review status: criteria provided, conflicting classifications (1 of 4 stars). 2 submissions from 2 submitters: Uncertain significance (1); Likely benign (1). Last evaluated 2026-07-01.

Conditions:
Gorlin syndrome. Also called: Nevoid Basal Cell Carcinoma Syndrome; Basal cell nevus syndrome. Identifiers: Orphanet 377, MedGen C0004779, MONDO:0007187.
Hereditary cancer-predisposing syndrome. Also called: Hereditary Cancer Syndrome; Hereditary neoplastic syndrome; Neoplastic Syndromes, Hereditary; Tumor predisposition. Identifiers: Orphanet 140162, MedGen C0027672, MeSH D009386, MONDO:0015356.

Submissions (2):

Ambry Genetics
Classification: Likely benign for Hereditary cancer-predisposing syndrome. Last evaluated: 2026-07-01. Review status: criteria provided, single submitter. Criteria: Ambry Variant Classification Scheme 2023. Collection method: clinical testing. Allele origin: germline.

Labcorp Genetics (formerly Invitae), Labcorp
Classification: Uncertain significance for Gorlin syndrome. Last evaluated: 2025-06-23. Review status: criteria provided, single submitter. Criteria: Invitae Variant Classification Sherloc (09022015). Collection method: clinical testing. Allele origin: germline.
Comment: This sequence change replaces serine, which is neutral and polar, with proline, which is neutral and non-polar, at codon 1354 of the PTCH1 protein (p.Ser1354Pro). This variant is not present in population databases (gnomAD no frequency). This variant has not been reported in the literature in individuals affected with PTCH1-related conditions. ClinVar contains an entry for this variant (Variation ID: 1737476). An algorithm developed to predict the effect of missense changes on protein structure and function outputs the following: PolyPhen-2: "Benign". The proline amino acid residue is found in multiple mammalian species, which suggests that this missense change does not adversely affect protein function. In summary, the available evidence is currently insufficient to determine the role of this variant in disease. Therefore, it has been classified as a Variant of Uncertain Significance.